The following is an entry in ClinVar:

ClinVar aggregate classification (germline): Conflicting classifications of pathogenicity. Review status: criteria provided, conflicting classifications (1 of 4 stars). 5 submissions from 5 submitters: Likely pathogenic (3); Uncertain significance (2). Last evaluated 2026-09-02.

Conditions:
Aortic valve disease 2 (AOVD2). Identifiers: MedGen C3542024, MONDO:0013902, OMIM 614823.
Craniosynostosis 7 (CRS7). Also called: CRANIOSYNOSTOSIS 7, DIGENIC; CRS7, DIGENIC. Identifiers: MedGen C4479496, MONDO:0044315, OMIM 617439.

Submissions (5):

Institute of Human Genetics, University of Leipzig Medical Center
Classification: Likely pathogenic for Craniosynostosis 7. Last evaluated: 2026-09-02. Review status: criteria provided, single submitter. Criteria: ACMG Guidelines, 2015. Collection method: clinical testing. Allele origin: maternal. Inheritance: Autosomal dominant inheritance. Affected: yes.
Comment: Criteria applied: PVS1_STR,PS3_MOD,PS4_SUP

CeGaT Center for Human Genetics Tuebingen
Classification: Likely pathogenic. Last evaluated: 2026-07-01. Review status: criteria provided, single submitter. Criteria: CeGaT Center For Human Genetics Tuebingen Variant Classification Criteria Version 2. Collection method: clinical testing. Allele origin: germline. Affected: yes. Observed: 1 variant allele.
Comment: SMAD6: PVS1:Strong, PM2, PS4:Supporting

Labcorp Genetics (formerly Invitae), Labcorp
Classification: Uncertain significance for Aortic valve disease 2. Last evaluated: 2025-12-10. Review status: criteria provided, single submitter. Criteria: Invitae Variant Classification Sherloc (09022015). Collection method: clinical testing. Allele origin: germline.
Comment: This sequence change is expected to alter the c-terminus of the SMAD6 protein (p.Gly433Argfs*132). While this is not anticipated to result in nonsense mediated decay, it is expected to disrupt the last 64 amino acid(s) of the SMAD6 protein and extend the protein by 67 additional amino acid residues. This variant is present in population databases (rs751440011, gnomAD 0.007%). This frameshift has been observed in individual(s) with craniosynostosis (PMID: 32499606, 36732661). ClinVar contains an entry for this variant (Variation ID: 1315652). Algorithms developed to predict the effect of variants on gene product structure and function are not available or were not evaluated for this variant. Experimental studies have shown that this frameshift affects SMAD6 function (PMID: 32499606). In summary, the available evidence is currently insufficient to determine the role of this variant in disease. Therefore, it has been classified as a Variant of Uncertain Significance.

GeneDx
Classification: Likely pathogenic. Last evaluated: 2025-09-18. Review status: criteria provided, single submitter. Criteria: GeneDx Variant Classification Process June 2021. Collection method: clinical testing. Allele origin: germline. Affected: yes.
Comment: Published functional studies suggest significantly reduced SMAD6 protein levels (PMID: 32499606); Frameshift variant predicted to result in abnormal protein length as the last 64 amino acid(s) are replaced with 131 different amino acid(s), and other similar variants have been reported in HGMD; This variant is associated with the following publications: (PMID: 32499606, 36732661)

Blueprint Genetics
Classification: Uncertain significance. Last evaluated: 2024-11-08. Review status: criteria provided, single submitter. Criteria: ACMG Guidelines, 2015. Collection method: clinical testing. Allele origin: germline.

Literature cited by the submitters: PubMed 32499606 (cited by Labcorp Genetics (formerly Invitae), Labcorp); PubMed 36732661 (cited by Labcorp Genetics (formerly Invitae), Labcorp).

NM_005585.5(SMAD6):c.1296dup (p.Gly433fs)

Gene: SMAD6 (SMAD family member 6; plus strand). Cytogenetic location: 15q22.31.
Variant type: Duplication.
Coding change: c.1296dup on transcript NM_005585.5 (MANE Select); coding-DNA position 1296, one base duplicated (C; older notation c.1296dupC).
Protein change: p.Gly433fs; shifts the reading frame from glycine 433.
Molecular consequence: frameshift variant. On other transcripts: non-coding transcript variant (1).
Genome position (GRCh38, 1-based): chr15:66,781,340, C duplicated; the last of 6 consecutive C bases (chr15:66,781,335-66,781,340); duplicating any one gives the same sequence. VCF-style (leftmost placement, unchanged base first): chr15-66781334-G-GC. GRCh37 (hg19) VCF-style: chr15-67073672-G-GC.
Other names: short protein forms G433fs.
Identifiers: ClinVar variation 1315652 (VCV001315652.14), dbSNP rs751440011, ClinGen allele CA7626777.